The following is an entry in ClinVar:

NM_001012720.2(RGR):c.631-19T>A

Gene: RGR (retinal G protein coupled receptor; plus strand). Cytogenetic location: 10q23.1.
Variant type: single nucleotide variant.
Coding change: c.631-19T>A on transcript NM_001012720.2 (MANE Select); 19 bases into the intron before coding-DNA position 631, T replaced by A.
Molecular consequence: intron variant.
Genome position (GRCh38, 1-based): chr10:84,257,874, T>A. VCF-style: chr10-84257874-T-A. GRCh37 (hg19) VCF-style: chr10-86017630-T-A.
Other names: c.643-19T>A (NM_002921.4); c.631-634T>A (NM_001012722.2).
Identifiers: ClinVar variation 4722055 (VCV004722055.1).
Genomic context (GRCh38, chr10:84,257,874, plus strand): 5'-CTGACCTGGTTTTCTTGGCCACATAGGGCTGTGGGCCACCTGGAGCAAGCTGACATCTCC[T>A]GTGACAATTTCTCCCCAGGTAAACACCACTCTGCCAGCAAGGACGCTGCTGCTCGGCTGG-3'

ClinVar aggregate classification (germline): Uncertain significance (1 of 4 stars; one submission).

Submission:

Labcorp Genetics (formerly Invitae), Labcorp
Classification: Uncertain significance. Last evaluated: 2025-08-03. Review status: criteria provided, single submitter. Criteria: Invitae Variant Classification Sherloc (09022015). Collection method: clinical testing. Allele origin: germline.
Comment: This sequence change falls in intron 5 of the RGR gene. It does not directly change the encoded amino acid sequence of the RGR protein. This variant is not present in population databases (gnomAD no frequency). This variant has not been reported in the literature in individuals affected with RGR-related conditions. Algorithms developed to predict the effect of sequence changes on RNA splicing suggest that this variant may disrupt the consensus splice site. In summary, the available evidence is currently insufficient to determine the role of this variant in disease. Therefore, it has been classified as a Variant of Uncertain Significance.